The following is an entry in ClinVar:

ClinVar aggregate classification (germline): Conflicting classifications of pathogenicity. Review status: criteria provided, conflicting classifications (1 of 4 stars). 3 submissions from 3 submitters: Uncertain significance (2); Likely benign (1). Last evaluated 2025-09-02.

Conditions:
BAP1-related tumor predisposition syndrome (TPDS1). Also called: BAP1 tumor predisposition syndrome; Tumor susceptibility linked to germline BAP1 mutations; TUMOR PREDISPOSITION SYNDROME 1; COMMON Syndrome. Identifiers: Orphanet 289539, MedGen C3280492, MONDO:0013692, OMIM 614327.
Hereditary cancer-predisposing syndrome. Also called: Neoplastic Syndromes, Hereditary; Tumor predisposition; Hereditary Cancer Syndrome; Hereditary neoplastic syndrome. Identifiers: Orphanet 140162, MedGen C0027672, MeSH D009386, MONDO:0015356.

gnomAD v4.1: 3 of 1,614,008 alleles (0.00019%); highest among the groups gnomAD compares: Non-Finnish European, 0.00025%; no homozygotes.

Submissions (3):

Labcorp Genetics (formerly Invitae), Labcorp
Classification: Uncertain significance for BAP1-related tumor predisposition syndrome. Last evaluated: 2025-09-02. Review status: criteria provided, single submitter. Criteria: Invitae Variant Classification Sherloc (09022015). Collection method: clinical testing. Allele origin: germline.
Comment: This sequence change replaces proline, which is neutral and non-polar, with alanine, which is neutral and non-polar, at codon 618 of the BAP1 protein (p.Pro618Ala). This variant is not present in population databases (gnomAD no frequency). This variant has not been reported in the literature in individuals affected with BAP1-related conditions. ClinVar contains an entry for this variant (Variation ID: 412402). Invitae Evidence Modeling of protein sequence and biophysical properties (such as structural, functional, and spatial information, amino acid conservation, physicochemical variation, residue mobility, and thermodynamic stability) indicates that this missense variant is not expected to disrupt BAP1 protein function with a negative predictive value of 80%. In summary, the available evidence is currently insufficient to determine the role of this variant in disease. Therefore, it has been classified as a Variant of Uncertain Significance.

Ambry Genetics
Classification: Likely benign for Hereditary cancer-predisposing syndrome. Last evaluated: 2024-07-01. Review status: criteria provided, single submitter. Criteria: Ambry Variant Classification Scheme 2023. Collection method: clinical testing. Allele origin: germline.

Color Diagnostics, LLC DBA Color Health
Classification: Uncertain significance for Hereditary cancer-predisposing syndrome. Last evaluated: 2019-02-28. Review status: criteria provided, single submitter. Criteria: ACMG Guidelines, 2015. Collection method: clinical testing. Allele origin: germline.

NM_004656.4(BAP1):c.1852C>G (p.Pro618Ala)

Gene: BAP1 (BRCA1 associated deubiquitinase 1; minus strand). Cytogenetic location: 3p21.1.
Variant type: single nucleotide variant.
Coding change: c.1852C>G on transcript NM_004656.4 (MANE Select); coding-DNA position 1852, C replaced by G.
Protein change: p.Pro618Ala; replaces proline 618 with alanine.
Molecular consequence: missense variant.
Genome position (GRCh38, 1-based): chr3:52,403,176, G>C on the plus strand (C>G on the coding strand, the complement: BAP1 is on the minus strand). VCF-style: chr3-52403176-G-C. GRCh37 (hg19) VCF-style: chr3-52437192-G-C.
Other names: c.1852C>G (LRG_529t1); short protein forms P618A.
Identifiers: ClinVar variation 412402 (VCV000412402.13), dbSNP rs1060503728, ClinGen allele CA16611514.